The following is an entry in ClinVar:

ClinVar aggregate classification (germline): Uncertain significance. Review status: criteria provided, multiple submitters, no conflicts (2 of 4 stars). 7 submissions from 7 submitters: Uncertain significance (6). 1 of the submissions does not count toward it. Last evaluated 2025-03-31.

Conditions:
Inborn genetic diseases. Identifiers: MedGen C0950123, MeSH D030342.
Neuronal ceroid lipofuscinosis. Also called: Neuronal Ceroid Lipofuscinoses. Identifiers: Orphanet 216, Orphanet 79263, MedGen C0027877, MONDO:0016295. Disease mechanism: loss of function.
Neuronal ceroid lipofuscinosis 5 (CLN5). Also called: CEROID LIPOFUSCINOSIS, NEURONAL, 5, VARIABLE AGE AT ONSET; Neuronal ceroid lipofuscinosis Finnish variant; NEURONAL CEROID LIPOFUSCINOSIS, LATE INFANTILE, FINNISH VARIANT; CLN5-Related Neuronal Ceroid-Lipofuscinosis. Identifiers: Orphanet 168491, Orphanet 228360, MedGen C1850442, MONDO:0009745, OMIM 256731.

Allele frequency attached by ClinVar (database versions not stated): ExAC 0.00002; gnomAD 0.00002 and 0.00003; TOPMed 0.00005; ESP Exome Variant Server 0.00008.

Submissions (7):

Ambry Genetics
Classification: Uncertain significance for Inborn genetic diseases. Last evaluated: 2025-03-31. Review status: criteria provided, single submitter. Criteria: Ambry Variant Classification Scheme 2023. Collection method: clinical testing. Allele origin: germline.

GeneDx
Classification: Uncertain significance. Last evaluated: 2025-03-20. Review status: criteria provided, single submitter. Criteria: GeneDx Variant Classification Process June 2021. Collection method: clinical testing. Allele origin: germline. Affected: yes.
Comment: Not observed at significant frequency in large population cohorts (gnomAD); In silico analysis indicates that this missense variant does not alter protein structure/function; Has not been previously published as pathogenic or benign to our knowledge

Blueprint Genetics
Classification: Uncertain significance. Last evaluated: 2024-10-23. Review status: criteria provided, single submitter. Criteria: ACMG Guidelines, 2015. Collection method: clinical testing. Allele origin: germline.

Labcorp Genetics (formerly Invitae), Labcorp
Classification: Uncertain significance for Neuronal ceroid lipofuscinosis. Last evaluated: 2022-11-03. Review status: criteria provided, single submitter. Criteria: Invitae Variant Classification Sherloc (09022015). Collection method: clinical testing. Allele origin: germline.
Comment: This sequence change replaces lysine, which is basic and polar, with glutamic acid, which is acidic and polar, at codon 225 of the CLN5 protein (p.Lys225Glu). This variant is present in population databases (rs142870036, gnomAD 0.009%). This variant has not been reported in the literature in individuals affected with CLN5-related conditions. ClinVar contains an entry for this variant (Variation ID: 205146). Advanced modeling of protein sequence and biophysical properties (such as structural, functional, and spatial information, amino acid conservation, physicochemical variation, residue mobility, and thermodynamic stability) performed at Invitae indicates that this missense variant is not expected to disrupt CLN5 protein function. In summary, the available evidence is currently insufficient to determine the role of this variant in disease. Therefore, it has been classified as a Variant of Uncertain Significance.

Genome-Nilou Lab
Classification: Uncertain significance for Neuronal ceroid lipofuscinosis 5. Last evaluated: 2021-09-05. Review status: criteria provided, single submitter. Criteria: ACMG Guidelines, 2015. Collection method: clinical testing. Allele origin: germline. Affected: no.

Athena Diagnostics
Classification: Uncertain significance. Last evaluated: 2017-10-25. Review status: criteria provided, single submitter. Criteria: Athena Diagnostics Criteria. Collection method: clinical testing. Allele origin: germline.

Natera, Inc.
Classification: Uncertain significance for Neuronal ceroid lipofuscinosis. Last evaluated: 2020-01-24. Review status: no assertion criteria provided. Collection method: clinical testing. Allele origin: germline. Not counted in ClinVar's aggregate classification.

NM_006493.4(CLN5):c.526A>G (p.Lys176Glu)

Gene: CLN5 (CLN5 lysosomal BMP synthase; plus strand). Cytogenetic location: 13q22.3.
Variant type: single nucleotide variant.
Coding change: c.526A>G on transcript NM_006493.4 (MANE Select); coding-DNA position 526, A replaced by G.
Protein change: p.Lys176Glu; replaces lysine 176 with glutamic acid.
Molecular consequence: missense variant.
Genome position (GRCh38, 1-based): chr13:76,996,088, A>G. VCF-style: chr13-76996088-A-G. GRCh37 (hg19) VCF-style: chr13-77570223-A-G.
Other names: p.K225E:AAG>GAG; c.673A>G (LRG_692t1); c.526A>G, p.Lys176Glu (NM_001366624.2); short protein forms K176E.
Identifiers: ClinVar variation 205146 (VCV000205146.13), dbSNP rs142870036, ClinGen allele CA313924.